The following is an entry in ClinVar:

NM_032043.3(BRIP1):c.1067G>A (p.Arg356Gln)

Gene: BRIP1 (BRCA1 interacting DNA helicase 1; minus strand). Cytogenetic location: 17q23.2.
Variant type: single nucleotide variant.
Coding change: c.1067G>A on transcript NM_032043.3 (MANE Select); coding-DNA position 1067, G replaced by A.
Protein change: p.Arg356Gln; replaces arginine 356 with glutamine.
Molecular consequence: missense variant.
Genome position (GRCh38, 1-based): chr17:61,801,326, C>T on the plus strand (G>A on the coding strand, the complement: BRIP1 is on the minus strand). VCF-style: chr17-61801326-C-T. GRCh37 (hg19) VCF-style: chr17-59878687-C-T.
Other names: short protein forms R356Q.
Identifiers: ClinVar variation 842755 (VCV000842755.17), dbSNP rs1289648562, ClinGen allele CA400484004.
Genomic context (GRCh38, chr17:61,801,326, plus strand): 5'-TGTGCATCTAGAAGATAGTTGTAGGGACAAAATATGATGTCAGCATCTTGTATTAGTTCT[C>T]GGGCTGTGTAATATGGACAGGCCTTTAGTTTCTTCCCCAGGCTGACAAGTTCTTCTATAT-3'
Protein context (NP_114432.2, residues 346-366): KLKACPYYTA[Arg356Gln]ELIQDADIIF

ClinVar aggregate classification (germline): Uncertain significance. Review status: criteria provided, multiple submitters, no conflicts (2 of 4 stars). 6 submissions from 6 submitters: Uncertain significance (6). Last evaluated 2025-07-11.

Conditions:
Hereditary cancer-predisposing syndrome. Also called: Neoplastic Syndromes, Hereditary; Hereditary neoplastic syndrome; Tumor predisposition; Hereditary Cancer Syndrome. Identifiers: Orphanet 140162, MedGen C0027672, MeSH D009386, MONDO:0015356.
Familial ovarian cancer. Identifiers: MedGen C5679802, MONDO:0016248.
Fanconi anemia complementation group J. Also called: BRIP1-Related Fanconi Anemia. Identifiers: Orphanet 84, MedGen C1836860, MONDO:0012187, OMIM 609054.
Familial cancer of breast. Also called: hereditary breast carcinoma; BREAST CANCER, FAMILIAL; Hereditary breast cancer. Identifiers: Orphanet 227535, MedGen C0346153, MONDO:0016419, OMIM 114480. Disease mechanism: loss of function.

Allele frequency attached by ClinVar (database versions not stated): gnomAD exomes below 0.00001 and 0.00001.
gnomAD v4.1: 8 of 1,614,004 alleles (0.0005%); highest among the groups gnomAD compares: Non-Finnish European, 0.00068%; no homozygotes.

Submissions (6):

Labcorp Genetics (formerly Invitae), Labcorp
Classification: Uncertain significance for Familial cancer of breast; Fanconi anemia complementation group J. Last evaluated: 2025-07-11. Review status: criteria provided, single submitter. Criteria: Invitae Variant Classification Sherloc (09022015). Collection method: clinical testing. Allele origin: germline.
Comment: This sequence change replaces arginine, which is basic and polar, with glutamine, which is neutral and polar, at codon 356 of the BRIP1 protein (p.Arg356Gln). This variant is present in population databases (no rsID available, gnomAD 0.0009%). This variant has not been reported in the literature in individuals affected with BRIP1-related conditions. ClinVar contains an entry for this variant (Variation ID: 842755). Invitae Evidence Modeling of protein sequence and biophysical properties (such as structural, functional, and spatial information, amino acid conservation, physicochemical variation, residue mobility, and thermodynamic stability) has been performed for this missense variant. However, the output from this modeling did not meet the statistical confidence thresholds required to predict the impact of this variant on BRIP1 protein function. In summary, the available evidence is currently insufficient to determine the role of this variant in disease. Therefore, it has been classified as a Variant of Uncertain Significance.

Ambry Genetics
Classification: Uncertain significance for Hereditary cancer-predisposing syndrome. Last evaluated: 2024-08-01. Review status: criteria provided, single submitter. Criteria: Ambry Variant Classification Scheme 2023. Collection method: clinical testing. Allele origin: germline.
Comment: The p.R356Q variant (also known as c.1067G>A), located in coding exon 7 of the BRIP1 gene, results from a G to A substitution at nucleotide position 1067. The arginine at codon 356 is replaced by glutamine, an amino acid with highly similar properties. This alteration was identified in 1/1358 non-cancer control individuals and in 0/57 cases, in a study looking at cancer predisposition mutations in patients with cutaneous melanoma and a history of at least two additional non-cutaneous melanoma primary cancers (Pritchard AL et al. PLoS One, 2018 Apr;13:e0194098). This amino acid position is highly conserved in available vertebrate species. In addition, this alteration is predicted to be deleterious by in silico analysis. Since supporting evidence is limited at this time, the clinical significance of this alteration remains unclear.

Molecular Pathology, Peter Maccallum Cancer Centre
Classification: Uncertain significance for Familial ovarian cancer. Last evaluated: 2024-07-09. Review status: criteria provided, single submitter. Criteria: ACMG Guidelines, 2015. Collection method: clinical testing. Allele origin: germline. Inheritance: Autosomal dominant inheritance.

Sema4
Classification: Uncertain significance for Hereditary cancer-predisposing syndrome. Last evaluated: 2022-03-18. Review status: criteria provided, single submitter. Criteria: Sema4 Curation Guidelines. Collection method: curation. Allele origin: germline.
Comment: The BRIP1 c.1067G>A (p.R356Q) variant has not been reported in the literature to our knowledge. It was observed in 1/113640 chromosomes of the Non-Finnish European subpopulation in the large and broad cohorts of the Genome Aggregation Database (PMID: 32461654). This variant has been reported in ClinVar (Variation ID 842755). In silico tools suggest the impact of the variant on protein function is deleterious, though these predictions have not been confirmed by functional studies. The evidence is insufficient to meet ACMG/AMP criteria for classifying the variant as benign or pathogenic. Thus, the clinical significance of this variant is currently uncertain.

GeneDx
Classification: Uncertain significance. Last evaluated: 2021-04-14. Review status: criteria provided, single submitter. Criteria: GeneDx Variant Classification Process June 2021. Collection method: clinical testing. Allele origin: germline. Affected: yes.
Comment: Has not been previously published as pathogenic or benign to our knowledge; Not observed at a significant frequency in large population cohorts (Lek 2016); In silico analysis supports that this missense variant has a deleterious effect on protein structure/function

Breakthrough Genomics
Classification: Uncertain significance. Review status: criteria provided, single submitter. Criteria: ACMG Guidelines, 2015. Collection method: not provided. Allele origin: germline. Inheritance: Autosomal dominant inheritance. Affected: yes.

Literature cited by the submitters: PubMed 29641532 (cited by Ambry Genetics).